The following is an entry in ClinVar:

NM_194248.3(OTOF):c.1024G>C (p.Gly342Arg)

Gene: OTOF (otoferlin; minus strand). Cytogenetic location: 2p23.3.
Variant type: single nucleotide variant.
Coding change: c.1024G>C on transcript NM_194248.3 (MANE Select); coding-DNA position 1024, G replaced by C.
Protein change: p.Gly342Arg; replaces glycine 342 with arginine.
Molecular consequence: missense variant.
Genome position (GRCh38, 1-based): chr2:26,489,232, C>G on the plus strand (G>C on the coding strand, the complement: OTOF is on the minus strand). VCF-style: chr2-26489232-C-G. GRCh37 (hg19) VCF-style: chr2-26712100-C-G.
Other names: c.1024G>C, p.Gly342Arg (NM_001287489.2); short protein forms G342R.
Identifiers: ClinVar variation 666893 (VCV000666893.4), dbSNP rs1572444852, ClinGen allele CA346138063.

ClinVar aggregate classification (germline): Uncertain significance (1 of 4 stars; one submission).

Submission:

Laboratory for Molecular Medicine, Mass General Brigham Personalized Medicine
Classification: Uncertain significance. Last evaluated: 2018-08-16. Review status: criteria provided, single submitter. Criteria: LMM Criteria. Collection method: clinical testing. Allele origin: germline. Observed: 1 variant allele.
Comment: The p.Gly342Arg variant in OTOF has not been previously reported in individuals with hearing loss and was absent from large population studies. Computational pr ediction tools and conservation analysis do not provide strong support for or ag ainst an impact to the protein. In summary, the clinical significance of the p.G ly342Arg variant is uncertain. ACMG/AMP Criteria applied: PM2.